The following is an entry in ClinVar:

ClinVar aggregate classification (germline): Likely benign (1 of 4 stars; one submission).

Allele frequency attached by ClinVar (database versions not stated): 1000 Genomes Project 30x 0.00062; 1000 Genomes Project 0.00079; ESP Exome Variant Server 0.00210; gnomAD 0.00248; gnomAD exomes 0.00301; ExAC 0.00316.
gnomAD v4.1: 3,513 of 1,188,737 alleles (0.3%); highest among the groups gnomAD compares: Middle Eastern, 0.49%; 10 homozygotes.

Submission:

CeGaT Center for Human Genetics Tuebingen
Classification: Likely benign. Last evaluated: 2023-10-01. Review status: criteria provided, single submitter. Criteria: CeGaT Center For Human Genetics Tuebingen Variant Classification Criteria Version 2. Collection method: clinical testing. Allele origin: germline. Affected: yes. Observed: 1 variant allele.
Comment: OPN1LW: BS2

NM_020061.6(OPN1LW):c.689T>C (p.Ile230Thr)

Gene: OPN1LW (opsin 1, long wave sensitive; plus strand). Cytogenetic location: Xq28.
Variant type: single nucleotide variant.
Coding change: c.689T>C on transcript NM_020061.6 (MANE Select); coding-DNA position 689, T replaced by C.
Protein change: p.Ile230Thr; replaces isoleucine 230 with threonine.
Molecular consequence: missense variant.
Genome position (GRCh38, 1-based): chrX:154,154,684, T>C. VCF-style: chrX-154154684-T-C. GRCh37 (hg19) VCF-style: chrX-153420159-T-C.
Other names: short protein forms I230T.
Identifiers: ClinVar variation 2661787 (VCV002661787.24), dbSNP rs148583295, ClinGen allele CA10558874.